The following is an entry in ClinVar:

ClinVar aggregate classification (germline): Likely pathogenic (1 of 4 stars; one submission).

Allele frequency attached by ClinVar (database versions not stated): gnomAD exomes below 0.00001; TOPMed below 0.00001; gnomAD 0.00001.
gnomAD v4.1: 2 of 1,611,686 alleles (0.00012%); highest among the groups gnomAD compares: African/African-American, 0.0013%; no homozygotes.

Submission:

Labcorp Genetics (formerly Invitae), Labcorp
Classification: Likely pathogenic. Last evaluated: 2022-08-18. Review status: criteria provided, single submitter. Criteria: Invitae Variant Classification Sherloc (09022015). Collection method: clinical testing. Allele origin: germline.
Comment: In summary, the currently available evidence indicates that the variant is pathogenic, but additional data are needed to prove that conclusively. Therefore, this variant has been classified as Likely Pathogenic. This sequence change replaces proline, which is neutral and non-polar, with alanine, which is neutral and non-polar, at codon 406 of the TYR protein (p.Pro406Ala). This variant is not present in population databases (gnomAD no frequency). This variant has not been reported in the literature in individuals affected with TYR-related conditions. Advanced modeling of protein sequence and biophysical properties (such as structural, functional, and spatial information, amino acid conservation, physicochemical variation, residue mobility, and thermodynamic stability) performed at Invitae indicates that this missense variant is expected to disrupt TYR protein function. This variant disrupts the p.Pro406 amino acid residue in TYR. Other variant(s) that disrupt this residue have been determined to be pathogenic (PMID: 1429711, 1903591, 9242509, 11284711, 22734612). This suggests that this residue is clinically significant, and that variants that disrupt this residue are likely to be disease-causing.

Literature cited by the submitters: PubMed 1429711; PubMed 1903591; PubMed 9242509; PubMed 11284711; PubMed 22734612.

NM_000372.5(TYR):c.1216C>G (p.Pro406Ala)

Gene: TYR (tyrosinase; plus strand). Cytogenetic location: 11q14.3.
Variant type: single nucleotide variant.
Coding change: c.1216C>G on transcript NM_000372.5 (MANE Select); coding-DNA position 1216, C replaced by G.
Protein change: p.Pro406Ala; replaces proline 406 with alanine.
Molecular consequence: missense variant.
Genome position (GRCh38, 1-based): chr11:89,284,804, C>G. VCF-style: chr11-89284804-C-G. GRCh37 (hg19) VCF-style: chr11-89017972-C-G.
Other names: short protein forms P406A.
Identifiers: ClinVar variation 1947187 (VCV001947187.5), dbSNP rs1363166555, ClinGen allele CA382077880.
Genomic context (GRCh38, chr11:89,284,804, plus strand): 5'-CTTAGTCTGAATAACCTTTTCCTCTGCAGTATTTTTGAGCAGTGGCTCCGAAGGCACCGT[C>G]CTCTTCAAGAAGTTTATCCAGAAGCCAATGCACCCATTGGACATAACCGGGAATCCTACA-3'
Protein context (NP_000363.1, residues 396-416): IFEQWLRRHR[Pro406Ala]LQEVYPEANA